The following is an entry in ClinVar:

NM_000388.4(CASR):c.2857C>G (p.Gln953Glu)

Gene: CASR (calcium sensing receptor; plus strand). Cytogenetic location: 3q21.1.
Variant type: single nucleotide variant.
Coding change: c.2857C>G on transcript NM_000388.4 (MANE Select); coding-DNA position 2857, C replaced by G.
Protein change: p.Gln953Glu; replaces glutamine 953 with glutamic acid.
Molecular consequence: missense variant.
Genome position (GRCh38, 1-based): chr3:122,284,811, C>G. VCF-style: chr3-122284811-C-G. GRCh37 (hg19) VCF-style: chr3-122003658-C-G.
Other names: c.2887C>G, p.Gln963Glu (NM_001178065.2); c.2857C>G (NM_000388.3); short protein forms Q953E, Q963E.
Identifiers: ClinVar variation 1480725 (VCV001480725.9), dbSNP rs542434118, ClinGen allele CA2569881.

ClinVar aggregate classification (germline): Uncertain significance. Review status: criteria provided, multiple submitters, no conflicts (2 of 4 stars). 2 submissions from 2 submitters: Uncertain significance (2). Last evaluated 2023-09-03.

Conditions:
Familial hypocalciuric hypercalcemia (FHH). Also called: Familial benign hypercalcemia. Identifiers: Orphanet 405, MedGen C1809471, MONDO:0018458.
Autosomal dominant hypocalcemia 1 (HYPOC1). Also called: HYPOCALCEMIA, FAMILIAL. Identifiers: MedGen C3715128, MONDO:0011013, OMIM 601198.
Nephrolithiasis/nephrocalcinosis. Identifiers: MedGen CN580796.

Allele frequency attached by ClinVar (database versions not stated): gnomAD exomes below 0.00001 and 0.00001; gnomAD 0.00001; TOPMed 0.00001; ExAC 0.00002; 1000 Genomes Project 0.00020; 1000 Genomes Project 30x 0.00031.

Submissions (2):

Labcorp Genetics (formerly Invitae), Labcorp
Classification: Uncertain significance for Familial hypocalciuric hypercalcemia; Autosomal dominant hypocalcemia 1. Last evaluated: 2023-09-03. Review status: criteria provided, single submitter. Criteria: Invitae Variant Classification Sherloc (09022015). Collection method: clinical testing. Allele origin: germline.
Comment: This variant has not been reported in the literature in individuals affected with CASR-related conditions. ClinVar contains an entry for this variant (Variation ID: 1480725). An algorithm developed to predict the effect of missense changes on protein structure and function (PolyPhen-2) suggests that this variant is likely to be tolerated. In summary, the available evidence is currently insufficient to determine the role of this variant in disease. Therefore, it has been classified as a Variant of Uncertain Significance. This variant is present in population databases (rs542434118, gnomAD 0.01%). This sequence change replaces glutamine, which is neutral and polar, with glutamic acid, which is acidic and polar, at codon 953 of the CASR protein (p.Gln953Glu).

Ambry Genetics
Classification: Uncertain significance for Nephrolithiasis/nephrocalcinosis. Last evaluated: 2022-12-26. Review status: criteria provided, single submitter. Criteria: Ambry Variant Classification Scheme 2023. Collection method: clinical testing. Allele origin: germline.
Comment: The p.Q953E variant (also known as c.2857C>G), located in coding exon 6 of the CASR gene, results from a C to G substitution at nucleotide position 2857. The glutamine at codon 953 is replaced by glutamic acid, an amino acid with highly similar properties. This amino acid position is conserved. In addition, this alteration is predicted to be tolerated by in silico analysis. Since supporting evidence is limited at this time, the clinical significance of this alteration remains unclear.